The following is an entry in ClinVar:

NM_006910.5(RBBP6):c.5092_5103del (p.Val1698_Ser1701del)

Gene: RBBP6 (RB binding protein 6, ubiquitin ligase; plus strand). Cytogenetic location: 16p12.1.
Variant type: Deletion.
Coding change: c.5092_5103del on transcript NM_006910.5 (MANE Select); coding-DNA positions 5092 to 5103, 12 bases deleted (GTCAGCCCCAGC).
Protein change: p.Val1698_Ser1701del.
Molecular consequence: inframe deletion.
Genome position (GRCh38, 1-based): chr16:24,572,158-24,572,169, GTCAGCCCCAGC deleted; deleting any 12 consecutive bases within chr16:24,572,148-24,572,169 gives the same sequence; the c. name uses the placement nearest the transcript's 3' end. VCF-style (leftmost placement, unchanged base first): chr16-24572147-GCAGCCCCAGCGT-G. GRCh37 (hg19) VCF-style: chr16-24583468-GCAGCCCCAGCGT-G.
Other names: c.4990_5001del, p.Val1664_Ser1667del (NM_018703.4).
Identifiers: ClinVar variation 2443241 (VCV002443241.2), dbSNP rs560723548, ClinGen allele CA7968060.

ClinVar aggregate classification (germline): Uncertain significance (0 of 4 stars; one submission).

Submission:

Genetic Services Laboratory, University of Chicago
Classification: Uncertain significance. Last evaluated: 2022-07-15. Review status: no assertion criteria provided. Collection method: clinical testing. Allele origin: germline. Affected: no.
Comment: DNA sequence analysis of the RBBP6 demonstrated a 12 base pair deletion in exon 18, c.5092_5103del. This in-frame deletion is predicted to result in the deletion of 4 amino acid residues, p.Val1698_Ser1701del. This deletion does not appear to have been previously described in individuals with RBBP6 -related disorders. This sequence change has been described in the gnomAD database with a frequency of 0.023% in the European subpopulation (dbSNP rs560723548). The functional significance of this sequence change is not known at present and its contribution to this individual's disease phenotype cannot definitively be determined.